The following is an entry in ClinVar:

ClinVar aggregate classification (germline): Uncertain significance (1 of 4 stars; one submission).

Allele frequency attached by ClinVar (database versions not stated): gnomAD exomes below 0.00001; TOPMed below 0.00001; ExAC 0.00001; gnomAD 0.00001; 1000 Genomes Project 30x 0.00016; 1000 Genomes Project 0.00020.

Submission:

Labcorp Genetics (formerly Invitae), Labcorp
Classification: Uncertain significance. Last evaluated: 2022-09-04. Review status: criteria provided, single submitter. Criteria: Invitae Variant Classification Sherloc (09022015). Collection method: clinical testing. Allele origin: germline.
Comment: In summary, the available evidence is currently insufficient to determine the role of this variant in disease. Therefore, it has been classified as a Variant of Uncertain Significance. Algorithms developed to predict the effect of missense changes on protein structure and function are either unavailable or do not agree on the potential impact of this missense change (SIFT: "Deleterious"; PolyPhen-2: "Benign"; Align-GVGD: "Class C65"). This variant has not been reported in the literature in individuals affected with MAFB-related conditions. This variant is present in population databases (rs201783302, gnomAD 0.004%). This sequence change replaces proline, which is neutral and non-polar, with serine, which is neutral and polar, at codon 97 of the MAFB protein (p.Pro97Ser).

NM_005461.5(MAFB):c.289C>T (p.Pro97Ser)

Gene: MAFB (MAF bZIP transcription factor B; minus strand). Cytogenetic location: 20q12.
Variant type: single nucleotide variant.
Coding change: c.289C>T on transcript NM_005461.5 (MANE Select); coding-DNA position 289, C replaced by T.
Protein change: p.Pro97Ser; replaces proline 97 with serine.
Molecular consequence: missense variant.
Genome position (GRCh38, 1-based): chr20:40,688,562, G>A on the plus strand (C>T on the coding strand, the complement: MAFB is on the minus strand). VCF-style: chr20-40688562-G-A. GRCh37 (hg19) VCF-style: chr20-39317202-G-A.
Other names: short protein forms P97S.
Identifiers: ClinVar variation 1940195 (VCV001940195.5), dbSNP rs201783302, ClinGen allele CA9857817.